The following is an entry in ClinVar:

NM_017947.4(MOCOS):c.1465C>T (p.Arg489Cys)

Gene: MOCOS (molybdenum cofactor sulfurase; plus strand). Cytogenetic location: 18q12.2.
Variant type: single nucleotide variant.
Coding change: c.1465C>T on transcript NM_017947.4 (MANE Select); coding-DNA position 1465, C replaced by T.
Protein change: p.Arg489Cys; replaces arginine 489 with cysteine.
Molecular consequence: missense variant.
Genome position (GRCh38, 1-based): chr18:36,215,645, C>T. VCF-style: chr18-36215645-C-T. GRCh37 (hg19) VCF-style: chr18-33795608-C-T.
Other names: p.Arg489Cys; short protein forms R489C.
Identifiers: ClinVar variation 785744 (VCV000785744.14), dbSNP rs35980997, ClinGen allele CA8940749.

ClinVar aggregate classification (germline): Benign/Likely benign. Review status: criteria provided, multiple submitters, no conflicts (2 of 4 stars). 6 submissions from 6 submitters: Benign (4); Likely benign (2). Last evaluated 2026-01-27.

Conditions:
MOCOS-related disorder. Also called: MOCOS-related condition.
Xanthinuria type II. Also called: Xanthine dehydrogenase and aldehyde oxidase combined deficiency of; XDH and AOX dual deficiency. Identifiers: Orphanet 3467, Orphanet 93602, MedGen C1863688, MONDO:0011346, OMIM 603592.

Allele frequency attached by ClinVar (database versions not stated): gnomAD exomes 0.00252; TOPMed 0.00980; 1000 Genomes Project 30x 0.01093; ESP Exome Variant Server 0.01107; ExAC 0.00343; gnomAD 0.00878 and 0.00937; 1000 Genomes Project 0.00919.
gnomAD v4.1: 2,672 of 1,614,182 alleles (0.17%); highest among the groups gnomAD compares: African/African-American, 3.1%; 47 homozygotes.

Submissions (6):

Labcorp Genetics (formerly Invitae), Labcorp
Classification: Benign for Xanthinuria type II. Last evaluated: 2026-01-27. Review status: criteria provided, single submitter. Criteria: Invitae Variant Classification Sherloc (09022015). Collection method: clinical testing. Allele origin: germline.

PreventionGenetics, part of Exact Sciences
Classification: Benign for MOCOS-related condition. Last evaluated: 2024-12-03. Review status: criteria provided, single submitter. Criteria: ACMG Guidelines, 2015. Collection method: clinical testing. Allele origin: germline.
Comment: This variant is classified as benign based on ACMG/AMP sequence variant interpretation guidelines (Richards et al. 2015 PMID: 25741868, with internal and published modifications).

GeneDx
Classification: Likely benign. Last evaluated: 2024-02-29. Review status: criteria provided, single submitter. Criteria: GeneDx Variant Classification Process June 2021. Collection method: clinical testing. Allele origin: germline. Affected: yes.
Comment: See Variant Classification Assertion Criteria.

Mayo Clinic Laboratories, Mayo Clinic
Classification: Benign. Last evaluated: 2023-09-01. Review status: criteria provided, single submitter. Criteria: ACMG Guidelines, 2015. Collection method: clinical testing. Allele origin: germline. Observed: 3 variant alleles.
Comment: BS1, BS2, BP4

Fulgent Genetics
Classification: Likely benign for Xanthinuria type II. Last evaluated: 2021-07-26. Review status: criteria provided, single submitter. Criteria: ACMG Guidelines, 2015. Collection method: clinical testing. Allele origin: unknown.

Breakthrough Genomics
Classification: Benign. Review status: criteria provided, single submitter. Criteria: ACMG Guidelines, 2015. Collection method: not provided. Allele origin: germline. Inheritance: Autosomal recessive inheritance. Affected: yes.